The following is an entry in ClinVar:

NC_000019.9:g.(?_38993127)_(38993630_?)del

Gene: RYR1 (ryanodine receptor 1; plus strand). Cytogenetic location: 19q13.2.
Variant type: Deletion.
Identifiers: ClinVar variation 1455091 (VCV001455091.4).

ClinVar aggregate classification (germline): Pathogenic (1 of 4 stars; one submission).

Conditions:
RYR1-related disorder. Also called: RYR1-related condition; RYR1-related disorders. Identifiers: MedGen CN239331.

Submission:

Labcorp Genetics (formerly Invitae), Labcorp
Classification: Pathogenic for RYR1-related disorder. Last evaluated: 2022-07-26. Review status: criteria provided, single submitter. Criteria: Invitae Variant Classification Sherloc (09022015). Collection method: clinical testing. Allele origin: germline.
Comment: This variant is a gross deletion of the genomic region encompassing exon(s) 48-49 of the RYR1 gene. This variant would be expected to be in-frame, preserving the integrity of the reading frame. This variant has not been reported in the literature in individuals affected with RYR1-related conditions. This variant disrupts a region of the RYR1 protein in which other variant(s) (p.Val2586Glu) have been determined to be pathogenic (Invitae). This suggests that this is a clinically significant region of the protein, and that variants that disrupt it are likely to be disease-causing. For these reasons, this variant has been classified as Pathogenic.